The following is an entry in ClinVar:

NM_000548.5(TSC2):c.3643C>T (p.Pro1215Ser)

Gene: TSC2 (TSC complex subunit 2; plus strand). Cytogenetic location: 16p13.3.
Variant type: single nucleotide variant.
Coding change: c.3643C>T on transcript NM_000548.5 (MANE Select); coding-DNA position 3643, C replaced by T.
Protein change: p.Pro1215Ser; replaces proline 1215 with serine.
Molecular consequence: missense variant.
Genome position (GRCh38, 1-based): chr16:2,081,627, C>T. VCF-style: chr16-2081627-C-T. GRCh37 (hg19) VCF-style: chr16-2131628-C-T.
Other names: c.3511C>T, p.Pro1171Ser (NM_001077183.3, NM_001370404.1); c.3643C>T, p.Pro1215Ser (NM_001114382.3); c.3403C>T, p.Pro1135Ser (NM_001318827.2); c.3367C>T, p.Pro1123Ser (NM_001318829.2); c.2911C>T, p.Pro971Ser (NM_001318831.2); c.3544C>T, p.Pro1182Ser (NM_001318832.2); c.3514C>T, p.Pro1172Ser (NM_001363528.2, NM_001370405.1, NM_021055.3); short protein forms P1172S, P1182S, P1123S, P1171S, P1135S, P1215S, P971S.
Identifiers: ClinVar variation 666186 (VCV000666186.9), dbSNP rs1555512332, ClinGen allele CA394291883.

ClinVar aggregate classification (germline): Uncertain significance. Review status: criteria provided, multiple submitters, no conflicts (2 of 4 stars). 2 submissions from 2 submitters: Uncertain significance (2). Last evaluated 2024-08-12.

Conditions:
Hereditary cancer-predisposing syndrome. Also called: Neoplastic Syndromes, Hereditary; Hereditary neoplastic syndrome; Tumor predisposition; Hereditary Cancer Syndrome. Identifiers: Orphanet 140162, MedGen C0027672, MeSH D009386, MONDO:0015356.
Tuberous sclerosis 2 (TSC2). Identifiers: Orphanet 805, MedGen C1860707, MONDO:0013199, OMIM 613254.

gnomAD v4.1: 1 of 1,612,900 alleles (0.000062%); highest among the groups gnomAD compares: Non-Finnish European, 0.000085%; no homozygotes.

Submissions (2):

Ambry Genetics
Classification: Uncertain significance for Hereditary cancer-predisposing syndrome. Last evaluated: 2024-08-12. Review status: criteria provided, single submitter. Criteria: Ambry Variant Classification Scheme 2023. Collection method: clinical testing. Allele origin: germline.
Comment: The p.P1215S variant (also known as c.3643C>T), located in coding exon 30 of the TSC2 gene, results from a C to T substitution at nucleotide position 3643. The proline at codon 1215 is replaced by serine, an amino acid with similar properties. This amino acid position is conserved. In addition, this alteration is predicted to be deleterious by in silico analysis. Based on the available evidence, the clinical significance of this variant remains unclear.

Labcorp Genetics (formerly Invitae), Labcorp
Classification: Uncertain significance for Tuberous sclerosis 2. Last evaluated: 2024-06-12. Review status: criteria provided, single submitter. Criteria: Invitae Variant Classification Sherloc (09022015). Collection method: clinical testing. Allele origin: germline.
Comment: This sequence change replaces proline, which is neutral and non-polar, with serine, which is neutral and polar, at codon 1215 of the TSC2 protein (p.Pro1215Ser). This variant is not present in population databases (gnomAD no frequency). This variant has not been reported in the literature in individuals affected with TSC2-related conditions. ClinVar contains an entry for this variant (Variation ID: 666186). Advanced modeling of protein sequence and biophysical properties (such as structural, functional, and spatial information, amino acid conservation, physicochemical variation, residue mobility, and thermodynamic stability) performed at Invitae indicates that this missense variant is not expected to disrupt TSC2 protein function with a negative predictive value of 95%. In summary, the available evidence is currently insufficient to determine the role of this variant in disease. Therefore, it has been classified as a Variant of Uncertain Significance.